The following is an entry in ClinVar:

NM_054027.6(ANKH):c.1006C>T (p.Leu336Phe)

Gene: ANKH (ANKH inorganic pyrophosphate transport regulator; minus strand). Cytogenetic location: 5p15.2.
Variant type: single nucleotide variant.
Coding change: c.1006C>T on transcript NM_054027.6 (MANE Select); coding-DNA position 1006, C replaced by T.
Protein change: p.Leu336Phe; replaces leucine 336 with phenylalanine.
Molecular consequence: missense variant.
Genome position (GRCh38, 1-based): chr5:14,741,832, G>A on the plus strand (C>T on the coding strand, the complement: ANKH is on the minus strand). VCF-style: chr5-14741832-G-A. GRCh37 (hg19) VCF-style: chr5-14741941-G-A.
Other names: c.1006C>T (NM_054027.4); short protein forms L336F.
Identifiers: ClinVar variation 1485524 (VCV001485524.11), dbSNP rs762016447, ClinGen allele CA3208963.
Genomic context (GRCh38, chr5:14,741,832, plus strand): 5'-GCCCCTTTACAAAAACCAAACAGAGAGAAGAGGCAGAGAGAGCCTCTGTCCTTACCGTGA[G>A]TGACAGAGCCATGCAGACGAAGGTGAACTTCTTGATGTGGGCTGCCGTGACTGTGTTGCT-3'
Protein context (NP_473368.1, residues 326-346): KFTFVCMALS[Leu336Phe]TLCFVMFWTP

ClinVar aggregate classification (germline): Uncertain significance. Review status: criteria provided, multiple submitters, no conflicts (2 of 4 stars). 2 submissions from 2 submitters: Uncertain significance (2). Last evaluated 2025-08-19.

Conditions:
Inborn genetic diseases. Identifiers: MedGen C0950123, MeSH D030342.

Allele frequency attached by ClinVar (database versions not stated): gnomAD exomes 0.00002 and 0.00005; TOPMed 0.00004; gnomAD 0.00005 and 0.00006; ExAC 0.00007.

Submissions (2):

Ambry Genetics
Classification: Uncertain significance for Inborn genetic diseases. Last evaluated: 2025-08-19. Review status: criteria provided, single submitter. Criteria: Ambry Variant Classification Scheme 2023. Collection method: clinical testing. Allele origin: germline.

Labcorp Genetics (formerly Invitae), Labcorp
Classification: Uncertain significance. Last evaluated: 2024-07-03. Review status: criteria provided, single submitter. Criteria: Invitae Variant Classification Sherloc (09022015). Collection method: clinical testing. Allele origin: germline.
Comment: This sequence change replaces leucine, which is neutral and non-polar, with phenylalanine, which is neutral and non-polar, at codon 336 of the ANKH protein (p.Leu336Phe). This variant is present in population databases (rs762016447, gnomAD 0.01%). This variant has not been reported in the literature in individuals affected with ANKH-related conditions. ClinVar contains an entry for this variant (Variation ID: 1485524). Advanced modeling of protein sequence and biophysical properties (such as structural, functional, and spatial information, amino acid conservation, physicochemical variation, residue mobility, and thermodynamic stability) performed at Invitae indicates that this missense variant is not expected to disrupt ANKH protein function with a negative predictive value of 80%. In summary, the available evidence is currently insufficient to determine the role of this variant in disease. Therefore, it has been classified as a Variant of Uncertain Significance.